The following is an entry in ClinVar:

ClinVar aggregate classification (germline): Uncertain significance (1 of 4 stars; one submission).

Conditions:
Cohen syndrome (COH1). Also called: PEPPER SYNDROME; Cutis verticis gyrata, retinitis pigmentosa, and sensorineural deafness. Identifiers: Orphanet 193, MedGen C0265223, MONDO:0008999, OMIM 216550.

Submission:

Labcorp Genetics (formerly Invitae), Labcorp
Classification: Uncertain significance for Cohen syndrome. Last evaluated: 2023-04-05. Review status: criteria provided, single submitter. Criteria: Invitae Variant Classification Sherloc (09022015). Collection method: clinical testing. Allele origin: germline.
Comment: This sequence change replaces asparagine with aspartic acid at codon 678 of the VPS13B protein (p.Asn678Asp). The asparagine residue is weakly conserved and there is a small physicochemical difference between asparagine and aspartic acid. This variant is not present in population databases (gnomAD no frequency). This variant has not been reported in the literature in individuals affected with VPS13B-related conditions. ClinVar contains an entry for this variant (Variation ID: 1524265). Advanced modeling of protein sequence and biophysical properties (such as structural, functional, and spatial information, amino acid conservation, physicochemical variation, residue mobility, and thermodynamic stability) has been performed at Invitae for this missense variant, however the output from this modeling did not meet the statistical confidence thresholds required to predict the impact of this variant on VPS13B protein function. In summary, the available evidence is currently insufficient to determine the role of this variant in disease. Therefore, it has been classified as a Variant of Uncertain Significance.

NM_152564.5(VPS13B):c.2032A>G (p.Asn678Asp)

Gene: VPS13B (vacuolar protein sorting 13 homolog B; plus strand). Cytogenetic location: 8q22.2.
Variant type: single nucleotide variant.
Coding change: c.2032A>G on transcript NM_152564.5 (MANE Select); coding-DNA position 2032, A replaced by G.
Protein change: p.Asn678Asp; replaces asparagine 678 with aspartic acid.
Molecular consequence: missense variant.
Genome position (GRCh38, 1-based): chr8:99,156,567, A>G. VCF-style: chr8-99156567-A-G. GRCh37 (hg19) VCF-style: chr8-100168795-A-G.
Other names: c.2032A>G, p.Asn678Asp (NM_015243.3, NM_017890.5); short protein forms N678D.
Identifiers: ClinVar variation 1524265 (VCV001524265.6), dbSNP rs2132624177, ClinGen allele CA371864740.